The following is an entry in ClinVar:

ClinVar aggregate classification (germline): Uncertain significance (1 of 4 stars; one submission).

Allele frequency attached by ClinVar (database versions not stated): TOPMed below 0.00001.

Submission:

Labcorp Genetics (formerly Invitae), Labcorp
Classification: Uncertain significance. Last evaluated: 2025-08-15. Review status: criteria provided, single submitter. Criteria: Invitae Variant Classification Sherloc (09022015). Collection method: clinical testing. Allele origin: germline.
Comment: This sequence change affects a splice site in intron 2 of the RNF31 gene. It is expected to disrupt RNA splicing. Variants that disrupt the donor or acceptor splice site typically lead to a loss of protein function (PMID: 16199547), however the current clinical and genetic evidence is not sufficient to establish whether loss-of-function variants in RNF31 cause disease. This variant is not present in population databases (gnomAD no frequency). This variant has not been reported in the literature in individuals affected with RNF31-related conditions. ClinVar contains an entry for this variant (Variation ID: 2714923). Algorithms developed to predict the effect of sequence changes on RNA splicing suggest that this variant may disrupt the consensus splice site. In summary, the available evidence is currently insufficient to determine the role of this variant in disease. Therefore, it has been classified as a Variant of Uncertain Significance.

Literature cited by the submitters: PubMed 16199547.

NM_017999.5(RNF31):c.340-2del

Gene: RNF31 (ring finger protein 31; plus strand). Cytogenetic location: 14q12.
Variant type: Deletion.
Coding change: c.340-2del on transcript NM_017999.5 (MANE Select); the canonical splice acceptor site of the intron before coding-DNA position 340, one base deleted (A; older notation c.340-2delA).
Molecular consequence: splice acceptor variant.
Genome position (GRCh38, 1-based): chr14:24,148,256, A deleted. VCF-style (leftmost placement, unchanged base first): chr14-24148255-CA-C. GRCh37 (hg19) VCF-style: chr14-24617464-CA-C.
Other names: c.-178-2del (NM_001310332.2).
Identifiers: ClinVar variation 2714923 (VCV002714923.3), dbSNP rs2038202916, ClinGen allele CA2123798931.
Genomic context (GRCh38, chr14:24,148,255, plus strand): 5'-AAGGGGTCCAGCCCTACTAGGCAGGAAACCTCCTGGGTGGTGACTCGTTTGAATGTGTGG[CA>C]GGGGGGCCGAGATGTGCTGCGATTATATGGCTACACAGAGGAGCAACCAGATGGGTTGAG-3'